The following is an entry in ClinVar:

NM_002016.2(FLG):c.8296del (p.Arg2766fs)

Genes: CCDST (cervical cancer associated DHX9 suppressive transcript; plus strand), FLG (filaggrin; minus strand). Cytogenetic location: 1q21.3.
Variant type: Deletion.
Coding change: c.8296del on transcript NM_002016.2 (MANE Select); coding-DNA position 8296, one base deleted (C; older notation c.8296delC).
Protein change: p.Arg2766fs; shifts the reading frame from arginine 2766.
Molecular consequence: frameshift variant.
Genome position (GRCh38, 1-based): chr1:152,306,590, G deleted on the plus strand (C on the coding strand, the reverse complement: FLG is on the minus strand); the first of 3 consecutive G bases (chr1:152,306,590-152,306,592); deleting any one gives the same sequence. VCF-style (leftmost placement, unchanged base first): chr1-152306589-CG-C. GRCh37 (hg19) VCF-style: chr1-152279065-CG-C.
Other names: short protein forms R2766fs.
Identifiers: ClinVar variation 5019800 (VCV005019800.2).

ClinVar aggregate classification (germline): Uncertain significance (1 of 4 stars; one submission).

Conditions:
Dermatitis, atopic, 2. Identifiers: MedGen C1853965, MONDO:0011596, OMIM 605803.
Ichthyosis vulgaris. Also called: ICHTHYOSIS SIMPLEX; Dominant ichthyosis vulgaris. Identifiers: MedGen C0079584, MONDO:0024304, OMIM 146700.

Submission:

Juno Genomics, Hangzhou Juno Genomics, Inc
Classification: Uncertain significance for Dermatitis, atopic, 2; Ichthyosis vulgaris. Review status: criteria provided, single submitter. Criteria: ACMG Guidelines, 2015. Collection method: clinical testing. Allele origin: germline.
Comment: Absent from controls (or at extremely low frequency if recessive) in Genome Aggregation Database.;Null variant in a gene where loss of function (LOF) is a known mechanism of disease.